The following is an entry in ClinVar:

ClinVar aggregate classification (germline): Conflicting classifications of pathogenicity. Review status: criteria provided, conflicting classifications (1 of 4 stars). 3 submissions from 3 submitters: Uncertain significance (1); Benign (1); Likely benign (1). Last evaluated 2026-01-09.

Conditions:
Inborn genetic diseases. Identifiers: MedGen C0950123, MeSH D030342.
Kabuki syndrome. Also called: Kabuki make-up syndrome; NIIKAWA-KUROKI SYNDROME. Identifiers: Orphanet 2322, MedGen C0796004, MONDO:0016512.

Allele frequency attached by ClinVar (database versions not stated): gnomAD 0.00001; gnomAD exomes 0.00001; TOPMed 0.00003.
gnomAD v4.1: 15 of 1,613,812 alleles (0.00093%); highest among the groups gnomAD compares: Middle Eastern, 0.016%; 1 homozygote.

Submissions (3):

Labcorp Genetics (formerly Invitae), Labcorp
Classification: Benign for Kabuki syndrome. Last evaluated: 2026-01-09. Review status: criteria provided, single submitter. Criteria: Invitae Variant Classification Sherloc (09022015). Collection method: clinical testing. Allele origin: germline.

Ambry Genetics
Classification: Likely benign for Inborn genetic diseases. Last evaluated: 2025-09-03. Review status: criteria provided, single submitter. Criteria: Ambry Variant Classification Scheme 2023. Collection method: clinical testing. Allele origin: germline.

CeGaT Center for Human Genetics Tuebingen
Classification: Uncertain significance. Last evaluated: 2023-05-01. Review status: criteria provided, single submitter. Criteria: CeGaT Center For Human Genetics Tuebingen Variant Classification Criteria Version 2. Collection method: clinical testing. Allele origin: germline. Affected: yes. Observed: 1 variant allele.
Comment: KMT2D: PP2, BP4

NM_003482.4(KMT2D):c.5524G>A (p.Asp1842Asn)

Gene: KMT2D (lysine methyltransferase 2D; minus strand). Cytogenetic location: 12q13.12.
Variant type: single nucleotide variant.
Coding change: c.5524G>A on transcript NM_003482.4 (MANE Select); coding-DNA position 5524, G replaced by A.
Protein change: p.Asp1842Asn; replaces aspartic acid 1842 with asparagine.
Molecular consequence: missense variant.
Genome position (GRCh38, 1-based): chr12:49,043,372, C>T on the plus strand (G>A on the coding strand, the complement: KMT2D is on the minus strand). VCF-style: chr12-49043372-C-T. GRCh37 (hg19) VCF-style: chr12-49437155-C-T.
Other names: c.5524G>A (NM_003482.3); short protein forms D1842N.
Identifiers: ClinVar variation 1387013 (VCV001387013.30), dbSNP rs1399516081, ClinGen allele CA384630553.
Genomic context (GRCh38, chr12:49,043,372, plus strand): 5'-ACAGAGGCAAGCAAGGCCAAGACAGGACACAGTAACCCCGGCAGCCCTCACCTGGTGTAT[C>T]GGCTTTGCCCTCGAGGCCACGGGATTCTTCATCTGCAATATCTGGACCATCATCTCCTAT-3'
Protein context (NP_003473.3, residues 1832-1852): EESRGLEGKA[Asp1842Asn]TPGPEDGGVK